The following is an entry in ClinVar:

ClinVar aggregate classification (germline): Pathogenic. Review status: criteria provided, multiple submitters, no conflicts (2 of 4 stars). 11 submissions from 10 submitters: Pathogenic (11). Last evaluated 2025-07-01.

Conditions:
Breast and/or ovarian cancer. Identifiers: MedGen CN221562.
Hereditary cancer-predisposing syndrome. Also called: Hereditary Cancer Syndrome; Tumor predisposition; Neoplastic Syndromes, Hereditary; Hereditary neoplastic syndrome. Identifiers: Orphanet 140162, MedGen C0027672, MeSH D009386, MONDO:0015356.
Bone osteosarcoma. Also called: Osteosarcoma, somatic. Identifiers: Orphanet 668, MedGen C0585442, MONDO:0002629, OMIM 259500.
Prostate cancer. Also called: Malignant tumor of prostate. Identifiers: Orphanet 1331, MedGen C0376358, MONDO:0008315, HP:0012125.
Familial cancer of breast. Also called: hereditary breast carcinoma; BREAST CANCER, FAMILIAL; Hereditary breast cancer. Identifiers: Orphanet 227535, MedGen C0346153, MONDO:0016419, OMIM 114480. Disease mechanism: loss of function.
CHEK2-related cancer predisposition (TPDS4). Also called: CHEK2-related cancer susceptibility; TUMOR PREDISPOSITION SYNDROME 4; CANCER PREDISPOSITION SYNDROME, CHEK2-RELATED. Identifiers: Orphanet 524, MedGen C5882668, MONDO:0700271, OMIM 609265.
Familial prostate cancer. Also called: Hereditary Prostate Cancer. Identifiers: MedGen C2931456, MONDO:0700275, OMIM 176807.
Hereditary breast ovarian cancer syndrome. Also called: Breast and ovarian cancer; Hereditary breast and ovarian cancer syndrome; BRCA1- and BRCA2-Associated Hereditary Breast and Ovarian Cancer; Hereditary breast and ovarian cancer syndrome (HBOC); Hereditary breast and/or ovarian cancer syndrome; Hereditary breast and ovarian cancer. Identifiers: Orphanet 145, MedGen C0677776, MeSH D061325, MONDO:0003582. Disease mechanism: loss of function.

Allele frequency attached by ClinVar (database versions not stated): TOPMed 0.00001.
gnomAD v4.1: 1 of 1,614,002 alleles (0.000062%); highest among the groups gnomAD compares: East Asian, 0.0022%; no homozygotes.

Submissions (11):

Labcorp Genetics (formerly Invitae), Labcorp
Classification: Pathogenic for Familial cancer of breast. Last evaluated: 2025-07-01. Review status: criteria provided, single submitter. Criteria: Invitae Variant Classification Sherloc (09022015). Collection method: clinical testing. Allele origin: germline.
Comment: This sequence change creates a premature translational stop signal (p.Tyr139*) in the CHEK2 gene. It is expected to result in an absent or disrupted protein product. Loss-of-function variants in CHEK2 are known to be pathogenic (PMID: 21876083, 24713400). This variant is not present in population databases (gnomAD no frequency). This premature translational stop signal has been observed in individual(s) with breast cancer (PMID: 28724667, 31650731). This variant is also known as c.546C>A (p.Tyr182*). ClinVar contains an entry for this variant (Variation ID: 439092). For these reasons, this variant has been classified as Pathogenic.

Fulgent Genetics
Classification: Pathogenic for Familial prostate cancer; Bone osteosarcoma; CHEK2-related cancer predisposition. Last evaluated: 2024-03-07. Review status: criteria provided, single submitter. Criteria: ACMG Guidelines, 2015. Collection method: clinical testing. Allele origin: germline.

Baylor Genetics
Classification: Pathogenic for Familial cancer of breast. Last evaluated: 2024-01-25. Review status: criteria provided, single submitter. Criteria: ACMG Guidelines, 2015. Collection method: clinical testing. Allele origin: unknown.

Ambry Genetics
Classification: Pathogenic for Hereditary cancer-predisposing syndrome. Last evaluated: 2023-11-07. Review status: criteria provided, single submitter. Criteria: Ambry Variant Classification Scheme 2023. Collection method: clinical testing. Allele origin: germline.
Comment: The p.Y139* pathogenic mutation (also known as c.417C>A), located in coding exon 2 of the CHEK2 gene, results from a C to A substitution at nucleotide position 417. This changes the amino acid from a tyrosine to a stop codon within coding exon 2. This alteration was detected in a cohort of 8085 consecutive unselected Chinese breast cancer patients who underwent multi-gene panel testing. (Sun J et al. Clin. Cancer Res., 2017 Oct;23:6113-6119). This alteration was also identified in a family with papillary thyroid cancer (Zhao Y et al. Thyroid, 2020 06;30:924-930). In addition to the clinical data presented in the literature, this alteration is expected to result in loss of function by premature protein truncation or nonsense-mediated mRNA decay. As such, this alteration is interpreted as a disease-causing mutation.

Myriad Genetics, Inc.
Classification: Pathogenic for Familial cancer of breast. Last evaluated: 2023-06-23. Review status: criteria provided, single submitter. Criteria: Myriad Autosomal Dominant, Autosomal Recessive and X-Linked Classification Criteria (2023). Collection method: clinical testing. Allele origin: unknown.
Comment: This variant is considered pathogenic. This variant creates a termination codon and is predicted to result in premature protein truncation.

Quest Diagnostics Nichols Institute San Juan Capistrano
Classification: Pathogenic. Last evaluated: 2022-01-18. Review status: criteria provided, single submitter. Criteria: Quest Diagnostics criteria. Collection method: clinical testing. Allele origin: unknown.
Comment: This nonsense variant causes the premature termination of CHEK2 protein synthesis. This variant has not been reported in large, multi-ethnic general populations. In the published literature, the variant has been reported in individuals with breast cancer and papillary thyroid cancer (PMID: 32318955 (2020), 32041497 (2020), 28724667 (2017)). Based on the available information, this variant is classified as pathogenic.

CHEO Genetics Diagnostic Laboratory, Children's Hospital of Eastern Ontario
Classification: Pathogenic for Breast and/or ovarian cancer. Last evaluated: 2021-06-10. Review status: criteria provided, single submitter. Criteria: ACMG Guidelines, 2015. Collection method: clinical testing. Allele origin: germline.

Women's Health and Genetics/Laboratory Corporation of America, LabCorp
Classification: Pathogenic for Hereditary breast ovarian cancer syndrome. Last evaluated: 2021-04-04. Review status: criteria provided, single submitter. Criteria: LabCorp Variant Classification Summary - May 2015. Collection method: clinical testing. Allele origin: germline.
Comment: Variant summary: CHEK2 c.417C>A (p.Tyr139X) results in a premature termination codon, predicted to cause a truncation of the encoded protein or absence of the protein due to nonsense mediated decay, which are commonly known mechanisms for disease. Truncations downstream of this position have been classified as pathogenic by our laboratory. The variant was absent in 251288 control chromosomes. c.417C>A has been reported in the literature in multiple individuals affected with breast cancer (example, Sun_2017) and co-segregating with papillary thyroid cancer in at-least one large family (Zhao_2020). These data indicate that the variant is very likely to be associated with disease. At least one publication reports experimental evidence evaluating an impact on protein function. The most pronounced variant effect results in reduced p53 phosphorylation and decreased p53 protein level (Zho_2020). Five clinical diagnostic laboratories have submitted clinical-significance assessments for this variant to ClinVar after 2014 without evidence for independent evaluation. All laboratories classified the variant as pathogenic. Based on the evidence outlined above, the variant was classified as pathogenic.

Color Diagnostics, LLC DBA Color Health
Classification: Pathogenic for Hereditary cancer-predisposing syndrome. Last evaluated: 2019-09-30. Review status: criteria provided, single submitter. Criteria: ACMG Guidelines, 2015. Collection method: clinical testing. Allele origin: germline.
Comment: This variant changes 1 nucleotide in exon 3 of the CHEK2 gene, creating a premature translation stop signal. This variant is expected to result in an absent or non-functional protein product. Splice site prediction tools suggest that this variant may not impact RNA splicing. To our knowledge, functional studies have not been performed for this variant. This variant has not been reported in individuals affected with hereditary cancer in the literature. This variant has not been identified in the general population by the Genome Aggregation Database (gnomAD). Loss of CHEK2 function is a known mechanism of disease. Based on the available evidence, this variant is classified as Pathogenic.

Fulgent Genetics
Classification: Pathogenic for Familial cancer of breast; Familial prostate cancer; Bone osteosarcoma; CHEK2-related cancer predisposition. Last evaluated: 2018-10-31. Review status: criteria provided, single submitter. Criteria: ACMG Guidelines, 2015. Collection method: clinical testing. Allele origin: unknown.

Juno Genomics, Hangzhou Juno Genomics, Inc
Classification: Pathogenic for Bone osteosarcoma; Familial prostate cancer; CHEK2-related cancer predisposition. Review status: criteria provided, single submitter. Criteria: ACMG Guidelines, 2015. Collection method: clinical testing. Allele origin: germline.
Comment: Absent from controls (or at extremely low frequency if recessive) in Genome Aggregation Database.;Null variant in a gene where loss of function (LOF) is a known mechanism of disease.;The prevalence of the variant in affected individuals is significantly increased compared to the prevalence in controls.

Literature cited by the submitters: PubMed 21876083 (cited by Labcorp Genetics (formerly Invitae), Labcorp); PubMed 24713400 (cited by Labcorp Genetics (formerly Invitae), Labcorp); PubMed 28724667 (cited by 4 submitters); PubMed 31650731 (cited by Labcorp Genetics (formerly Invitae), Labcorp and Women's Health and Genetics/Laboratory Corporation of America, LabCorp); PubMed 31409080 (cited by Ambry Genetics); PubMed 32041497 (cited by 3 submitters); PubMed 32318955 (cited by Quest Diagnostics Nichols Institute San Juan Capistrano and Women's Health and Genetics/Laboratory Corporation of America, LabCorp).

NM_007194.4(CHEK2):c.417C>A (p.Tyr139Ter)

Gene: CHEK2 (checkpoint kinase 2; minus strand). Cytogenetic location: 22q12.1.
Variant type: single nucleotide variant.
Coding change: c.417C>A on transcript NM_007194.4 (MANE Select); coding-DNA position 417, C replaced by A.
Protein change: p.Tyr139Ter; replaces tyrosine 139 with a stop codon.
Molecular consequence: nonsense.
Genome position (GRCh38, 1-based): chr22:28,725,270, G>T on the plus strand (C>A on the coding strand, the complement: CHEK2 is on the minus strand). VCF-style: chr22-28725270-G-T. GRCh37 (hg19) VCF-style: chr22-29121258-G-T.
Other names: c.546C>A, p.Tyr182Ter (NM_001005735.3); c.-361C>A (NM_001257387.3); c.417C>A, p.Tyr139Ter (NM_001349956.3, NM_145862.3); short protein forms Y139*, Y182*.
Identifiers: ClinVar variation 439092 (VCV000439092.31), dbSNP rs200917541, ClinGen allele CA411107953.